The following is an entry in ClinVar:

ClinVar aggregate classification (germline): Benign (1 of 4 stars; one submission).

Conditions:
Heterotaxy, visceral, 4, autosomal (HTX4). Identifiers: Orphanet 450, MedGen C3151057, MONDO:0013403, OMIM 613751.

Allele frequency attached by ClinVar (database versions not stated): TOPMed 0.00057; 1000 Genomes Project 0.00060; gnomAD 0.00069 and 0.00078; 1000 Genomes Project 30x 0.00094; gnomAD exomes 0.00331.
gnomAD v4.1: 123 of 153,840 alleles (0.08%); highest among the groups gnomAD compares: South Asian, 0.25%; no homozygotes.

Submission:

Illumina Laboratory Services, Illumina
Classification: Benign for Heterotaxy, visceral, 4, autosomal. Last evaluated: 2018-01-13. Review status: criteria provided, single submitter. Criteria: ICSL Variant Classification Criteria 13 December 2019. Collection method: clinical testing. Allele origin: germline.
Comment: This variant was observed in the ICSL laboratory as part of a predisposition screen in an ostensibly healthy population. It had not been previously curated by ICSL or reported in the Human Gene Mutation Database (HGMD: prior to June 1st, 2018), and was therefore a candidate for classification through an automated scoring system. Utilizing variant allele frequency, disease prevalence and penetrance estimates, and inheritance mode, an automated score was calculated to assess if this variant is too frequent to cause the disease. Based on the score and internal cut-off values, a variant classified as benign is not then subjected to further curation. The score for this variant resulted in a classification of benign for this disease.

NM_001106.4(ACVR2B):c.*483C>T

Gene: ACVR2B (activin A receptor type 2B; plus strand). Cytogenetic location: 3p22.2.
Variant type: single nucleotide variant.
Coding change: c.*483C>T on transcript NM_001106.4 (MANE Select); 483 bases downstream of the stop codon, C replaced by T.
Molecular consequence: 3 prime UTR variant.
Genome position (GRCh38, 1-based): chr3:38,483,815, C>T. VCF-style: chr3-38483815-C-T. GRCh37 (hg19) VCF-style: chr3-38525306-C-T.
Identifiers: ClinVar variation 344932 (VCV000344932.5), dbSNP rs189885640, ClinGen allele CA10618176.